The following is an entry in ClinVar:

NM_001457.4(FLNB):c.2903C>A (p.Thr968Asn)

Gene: FLNB (filamin B; plus strand). Cytogenetic location: 3p14.3.
Variant type: single nucleotide variant.
Coding change: c.2903C>A on transcript NM_001457.4 (MANE Select); coding-DNA position 2903, C replaced by A.
Protein change: p.Thr968Asn; replaces threonine 968 with asparagine.
Molecular consequence: missense variant.
Genome position (GRCh38, 1-based): chr3:58,121,280, C>A. VCF-style: chr3-58121280-C-A. GRCh37 (hg19) VCF-style: chr3-58107007-C-A.
Other names: c.2903C>A, p.Thr968Asn (NM_001164317.2, NM_001164318.2, NM_001164319.2); short protein forms T968N.
Identifiers: ClinVar variation 2112149 (VCV002112149.4), dbSNP rs2097288339, ClinGen allele CA353347286.
Genomic context (GRCh38, chr3:58,121,280, plus strand): 5'-CAGCTTGTGTTTCTTTTCCAGGGGTGGAAGTTGGGAAGGATCAGGAGTTCACCGTTGATA[C>A]CAGGGGGGCAGGAGGCCAGGGGAAGCTGGACGTGACAATCCTCAGCCCCTCTCGGAAGGT-3'
Protein context (NP_001448.2, residues 958-978): VGKDQEFTVD[Thr968Asn]RGAGGQGKLD

ClinVar aggregate classification (germline): Uncertain significance (1 of 4 stars; one submission).

Allele frequency attached by ClinVar (database versions not stated): gnomAD 0.00001.
gnomAD v4.1: 2 of 1,613,980 alleles (0.00012%); highest among the groups gnomAD compares: African/African-American, 0.0027%; no homozygotes.

Submission:

Labcorp Genetics (formerly Invitae), Labcorp
Classification: Uncertain significance. Last evaluated: 2022-08-15. Review status: criteria provided, single submitter. Criteria: Invitae Variant Classification Sherloc (09022015). Collection method: clinical testing. Allele origin: germline.
Comment: This sequence change replaces threonine, which is neutral and polar, with asparagine, which is neutral and polar, at codon 968 of the FLNB protein (p.Thr968Asn). In summary, the available evidence is currently insufficient to determine the role of this variant in disease. Therefore, it has been classified as a Variant of Uncertain Significance. Advanced modeling of protein sequence and biophysical properties (such as structural, functional, and spatial information, amino acid conservation, physicochemical variation, residue mobility, and thermodynamic stability) performed at Invitae indicates that this missense variant is not expected to disrupt FLNB protein function. This variant has not been reported in the literature in individuals affected with FLNB-related conditions. This variant is not present in population databases (gnomAD no frequency).